The following is an entry in ClinVar:

ClinVar aggregate classification (germline): Uncertain significance (1 of 4 stars; one submission).

Conditions:
Spermatogenic failure 18. Identifiers: MedGen C4539783, MONDO:0054615, OMIM 617576.
Ciliary dyskinesia, primary, 37 (CILD37). Also called: CILIARY DYSKINESIA, PRIMARY, 37, WITH OR WITHOUT SITUS INVERSUS. Identifiers: MedGen C4539798, MONDO:0033204, OMIM 617577.

Allele frequency attached by ClinVar (database versions not stated): ExAC 0.00003; gnomAD 0.00012; TOPMed 0.00012.
gnomAD v4.1: 46 of 1,613,826 alleles (0.0029%); highest among the groups gnomAD compares: African/African-American, 0.033%; no homozygotes.

Submission:

Labcorp Genetics (formerly Invitae), Labcorp
Classification: Uncertain significance for Ciliary dyskinesia, primary, 37; Spermatogenic failure 18. Last evaluated: 2023-04-10. Review status: criteria provided, single submitter. Criteria: Invitae Variant Classification Sherloc (09022015). Collection method: clinical testing. Allele origin: germline.
Comment: In summary, the available evidence is currently insufficient to determine the role of this variant in disease. Therefore, it has been classified as a Variant of Uncertain Significance. Advanced modeling of protein sequence and biophysical properties (such as structural, functional, and spatial information, amino acid conservation, physicochemical variation, residue mobility, and thermodynamic stability) has been performed at Invitae for this missense variant, however the output from this modeling did not meet the statistical confidence thresholds required to predict the impact of this variant on DNAH1 protein function. This variant has not been reported in the literature in individuals affected with DNAH1-related conditions. This variant is present in population databases (rs762610490, gnomAD 0.02%). This sequence change replaces arginine, which is basic and polar, with histidine, which is basic and polar, at codon 1535 of the DNAH1 protein (p.Arg1535His).

NM_015512.5(DNAH1):c.4604G>A (p.Arg1535His)

Gene: DNAH1 (dynein axonemal heavy chain 1; plus strand). Cytogenetic location: 3p21.1.
Variant type: single nucleotide variant.
Coding change: c.4604G>A on transcript NM_015512.5 (MANE Select); coding-DNA position 4604, G replaced by A.
Protein change: p.Arg1535His; replaces arginine 1535 with histidine.
Molecular consequence: missense variant.
Genome position (GRCh38, 1-based): chr3:52,360,343, G>A. VCF-style: chr3-52360343-G-A. GRCh37 (hg19) VCF-style: chr3-52394359-G-A.
Other names: short protein forms R1535H.
Identifiers: ClinVar variation 2934817 (VCV002934817.1), dbSNP rs762610490, ClinGen allele CA2433965.